The following is an entry in ClinVar:

ClinVar aggregate classification (germline): Uncertain significance (1 of 4 stars; one submission).

gnomAD v4.1: 2 of 1,613,450 alleles (0.00012%); highest among the groups gnomAD compares: Non-Finnish European, 0.00017%; no homozygotes.

Submission:

Labcorp Genetics (formerly Invitae), Labcorp
Classification: Uncertain significance. Last evaluated: 2025-05-20. Review status: criteria provided, single submitter. Criteria: Invitae Variant Classification Sherloc (09022015). Collection method: clinical testing. Allele origin: germline.
Comment: This sequence change replaces leucine, which is neutral and non-polar, with proline, which is neutral and non-polar, at codon 193 of the LZTS1 protein (p.Leu193Pro). This variant is not present in population databases (gnomAD no frequency). This variant has not been reported in the literature in individuals affected with LZTS1-related conditions. Invitae Evidence Modeling of protein sequence and biophysical properties (such as structural, functional, and spatial information, amino acid conservation, physicochemical variation, residue mobility, and thermodynamic stability) indicates that this missense variant is not expected to disrupt LZTS1 protein function with a negative predictive value of 80%. In summary, the available evidence is currently insufficient to determine the role of this variant in disease. Therefore, it has been classified as a Variant of Uncertain Significance.

NM_021020.5(LZTS1):c.578T>C (p.Leu193Pro)

Gene: LZTS1 (leucine zipper tumor suppressor 1; minus strand). Cytogenetic location: 8p21.3.
Variant type: single nucleotide variant.
Coding change: c.578T>C on transcript NM_021020.5 (MANE Select); coding-DNA position 578, T replaced by C.
Protein change: p.Leu193Pro; replaces leucine 193 with proline.
Molecular consequence: missense variant.
Genome position (GRCh38, 1-based): chr8:20,253,353, A>G on the plus strand (T>C on the coding strand, the complement: LZTS1 is on the minus strand). VCF-style: chr8-20253353-A-G. GRCh37 (hg19) VCF-style: chr8-20110864-A-G.
Other names: c.578T>C, p.Leu193Pro (NM_001362884.2); short protein forms L193P.
Identifiers: ClinVar variation 4742939 (VCV004742939.1).
Genomic context (GRCh38, chr8:20,253,353, plus strand): 5'-ATGTTGTGGGCGGAGCCCCCAAAACGGCTTGTGGGTCCCACGGGTGTGACCAGCGGGTCC[A>G]GCTGGTAGCTGCTGCTGGTGCTGTGTGTGGGCAGGCTGGACATGGAGTTCCGGCCGGAGT-3'
Protein context (NP_066300.1, residues 183-203): PTHSTSSSYQ[Leu193Pro]DPLVTPVGPT